The following is an entry in ClinVar:

NM_032638.5(GATA2):c.436G>A (p.Gly146Ser)

Gene: GATA2 (GATA binding protein 2; minus strand). Cytogenetic location: 3q21.3.
Variant type: single nucleotide variant.
Coding change: c.436G>A on transcript NM_032638.5 (MANE Select); coding-DNA position 436, G replaced by A.
Protein change: p.Gly146Ser; replaces glycine 146 with serine.
Molecular consequence: missense variant.
Genome position (GRCh38, 1-based): chr3:128,486,162, C>T on the plus strand (G>A on the coding strand, the complement: GATA2 is on the minus strand). VCF-style: chr3-128486162-C-T. GRCh37 (hg19) VCF-style: chr3-128205005-C-T.
Other names: c.436G>A, p.Gly146Ser (NM_001145661.2, NM_001145662.1); short protein forms G146S.
Identifiers: ClinVar variation 1972098 (VCV001972098.7), dbSNP rs778721889, ClinGen allele CA2600030.

ClinVar aggregate classification (germline): Uncertain significance. Review status: criteria provided, multiple submitters, no conflicts (2 of 4 stars). 2 submissions from 2 submitters: Uncertain significance (2). Last evaluated 2025-10-21.

Conditions:
Inborn genetic diseases. Identifiers: MedGen C0950123, MeSH D030342.
Monocytopenia with susceptibility to infections. Also called: IMMUNODEFICIENCY 21; GATA2 DEFICIENCY; MONOCYTOPENIA AND MYCOBACTERIAL INFECTION SYNDROME; MONOCYTOPENIA WITH SUSCEPTIBILITY TO MYCOBACTERIAL, FUNGAL, AND PAPILLOMAVIRUS INFECTIONS AND MYELODYSPLASIA; COMBINED IMMUNODEFICIENCY WITH SUSCEPTIBILITY TO MYCOBACTERIAL, VIRAL, AND FUNGAL INFECTIONS; Dendritic cell, monocyte, B lymphocyte, and natural killer lymphocyte deficiency. Identifiers: Orphanet 228423, MedGen C3280030, MONDO:0013607, OMIM 614172.
Deafness-lymphedema-leukemia syndrome. Also called: Lymphedema, primary, with myelodysplasia; Emberger syndrome. Identifiers: Orphanet 3226, MedGen C3279664, MONDO:0013540, OMIM 614038.

Allele frequency attached by ClinVar (database versions not stated): TOPMed below 0.00001; gnomAD exomes 0.00001.
gnomAD v4.1: 7 of 1,572,840 alleles (0.00045%); highest among the groups gnomAD compares: Non-Finnish European, 0.0006%; no homozygotes.

Submissions (2):

Ambry Genetics
Classification: Uncertain significance for Inborn genetic diseases. Last evaluated: 2025-10-21. Review status: criteria provided, single submitter. Criteria: Ambry Variant Classification Scheme 2023. Collection method: clinical testing. Allele origin: germline.

Labcorp Genetics (formerly Invitae), Labcorp
Classification: Uncertain significance for Monocytopenia with susceptibility to infections; Deafness-lymphedema-leukemia syndrome. Last evaluated: 2022-02-04. Review status: criteria provided, single submitter. Criteria: Invitae Variant Classification Sherloc (09022015). Collection method: clinical testing. Allele origin: germline.
Comment: Advanced modeling of protein sequence and biophysical properties (such as structural, functional, and spatial information, amino acid conservation, physicochemical variation, residue mobility, and thermodynamic stability) performed at Invitae indicates that this missense variant is not expected to disrupt GATA2 protein function. In summary, the available evidence is currently insufficient to determine the role of this variant in disease. Therefore, it has been classified as a Variant of Uncertain Significance. This variant has not been reported in the literature in individuals affected with GATA2-related conditions. This variant is not present in population databases (gnomAD no frequency). This sequence change replaces glycine, which is neutral and non-polar, with serine, which is neutral and polar, at codon 146 of the GATA2 protein (p.Gly146Ser).